The following is an entry in ClinVar:

NM_001365999.1(SZT2):c.1762C>T (p.His588Tyr)

Gene: SZT2 (SZT2 subunit of KICSTOR complex; plus strand). Cytogenetic location: 1p34.2.
Variant type: single nucleotide variant.
Coding change: c.1762C>T on transcript NM_001365999.1 (MANE Select); coding-DNA position 1762, C replaced by T.
Protein change: p.His588Tyr; replaces histidine 588 with tyrosine.
Molecular consequence: missense variant.
Genome position (GRCh38, 1-based): chr1:43,422,218, C>T. VCF-style: chr1-43422218-C-T. GRCh37 (hg19) VCF-style: chr1-43887889-C-T.
Other names: c.1762C>T, p.His588Tyr (NM_015284.4); short protein forms H588Y.
Identifiers: ClinVar variation 1374979 (VCV001374979.5), dbSNP rs1472749281, ClinGen allele CA340009867.

ClinVar aggregate classification (germline): Uncertain significance (1 of 4 stars; one submission).

gnomAD v4.1: 3 of 1,582,762 alleles (0.00019%); highest among the groups gnomAD compares: Non-Finnish European, 0.00026%; no homozygotes.

Submission:

Labcorp Genetics (formerly Invitae), Labcorp
Classification: Uncertain significance. Last evaluated: 2021-08-30. Review status: criteria provided, single submitter. Criteria: Invitae Variant Classification Sherloc (09022015). Collection method: clinical testing. Allele origin: germline.
Comment: This sequence change replaces histidine with tyrosine at codon 588 of the SZT2 protein (p.His588Tyr). The histidine residue is weakly conserved and there is a moderate physicochemical difference between histidine and tyrosine. This variant is not present in population databases (ExAC no frequency). This variant has not been reported in the literature in individuals affected with SZT2-related conditions. Algorithms developed to predict the effect of missense changes on protein structure and function are either unavailable or do not agree on the potential impact of this missense change (SIFT: "Deleterious"; PolyPhen-2: "Probably Damaging"; Align-GVGD: "Class C0"). Algorithms developed to predict the effect of sequence changes on RNA splicing suggest that this variant may create or strengthen a splice site. In summary, the available evidence is currently insufficient to determine the role of this variant in disease. Therefore, it has been classified as a Variant of Uncertain Significance.